The following is an entry in ClinVar:

NM_004655.4(AXIN2):c.2454T>A (p.Phe818Leu)

Gene: AXIN2 (axin 2; minus strand). Cytogenetic location: 17q24.1.
Variant type: single nucleotide variant.
Coding change: c.2454T>A on transcript NM_004655.4 (MANE Select); coding-DNA position 2454, T replaced by A.
Protein change: p.Phe818Leu; replaces phenylalanine 818 with leucine.
Molecular consequence: missense variant.
Genome position (GRCh38, 1-based): chr17:65,530,054, A>T on the plus strand (T>A on the coding strand, the complement: AXIN2 is on the minus strand). VCF-style: chr17-65530054-A-T. GRCh37 (hg19) VCF-style: chr17-63526172-A-T.
Other names: c.2259T>A, p.Phe753Leu (NM_001363813.1); short protein forms F818L, F753L.
Identifiers: ClinVar variation 3981068 (VCV003981068.1).

ClinVar aggregate classification (germline): Uncertain significance (1 of 4 stars; one submission).

Conditions:
Hereditary cancer-predisposing syndrome. Also called: Tumor predisposition; Hereditary neoplastic syndrome; Neoplastic Syndromes, Hereditary; Hereditary Cancer Syndrome. Identifiers: Orphanet 140162, MedGen C0027672, MeSH D009386, MONDO:0015356.

Submission:

Ambry Genetics
Classification: Uncertain significance for Hereditary cancer-predisposing syndrome. Last evaluated: 2025-05-03. Review status: criteria provided, single submitter. Criteria: Ambry Variant Classification Scheme 2023. Collection method: clinical testing. Allele origin: germline.
Comment: The p.F818L variant (also known as c.2454T>A), located in coding exon 10 of the AXIN2 gene, results from a T to A substitution at nucleotide position 2454. The phenylalanine at codon 818 is replaced by leucine, an amino acid with highly similar properties. This amino acid position is conserved. In addition, this alteration is predicted to be tolerated by in silico analysis. Based on the available evidence, the clinical significance of this variant remains unclear.